The following is an entry in ClinVar:

NM_024577.4(SH3TC2):c.535T>G (p.Phe179Val)

Gene: SH3TC2 (SH3 domain and tetratricopeptide repeats 2; minus strand). Cytogenetic location: 5q32.
Variant type: single nucleotide variant.
Coding change: c.535T>G on transcript NM_024577.4 (MANE Select); coding-DNA position 535, T replaced by G.
Protein change: p.Phe179Val; replaces phenylalanine 179 with valine.
Molecular consequence: missense variant.
Genome position (GRCh38, 1-based): chr5:149,041,612, A>C on the plus strand (T>G on the coding strand, the complement: SH3TC2 is on the minus strand). VCF-style: chr5-149041612-A-C. GRCh37 (hg19) VCF-style: chr5-148421175-A-C.
Other names: short protein forms F179V.
Identifiers: ClinVar variation 1907355 (VCV001907355.6), dbSNP rs1754373983, ClinGen allele CA361674815.

ClinVar aggregate classification (germline): Uncertain significance. Review status: criteria provided, multiple submitters, no conflicts (2 of 4 stars). 2 submissions from 2 submitters: Uncertain significance (2). Last evaluated 2024-11-09.

Conditions:
Inborn genetic diseases. Identifiers: MedGen C0950123, MeSH D030342.
Charcot-Marie-Tooth disease type 4. Also called: Charcot-Marie-Tooth, Type 4; Charcot-Marie-Tooth disease, type IV. Identifiers: Orphanet 64749, MedGen C4082197, MONDO:0018995.

Allele frequency attached by ClinVar (database versions not stated): TOPMed 0.00001.
gnomAD v4.1: 1 of 1,614,182 alleles (0.000062%); no homozygotes.

Submissions (2):

Ambry Genetics
Classification: Uncertain significance for Inborn genetic diseases. Last evaluated: 2024-11-09. Review status: criteria provided, single submitter. Criteria: Ambry Variant Classification Scheme 2023. Collection method: clinical testing. Allele origin: germline.

Labcorp Genetics (formerly Invitae), Labcorp
Classification: Uncertain significance for Charcot-Marie-Tooth disease type 4. Last evaluated: 2022-06-08. Review status: criteria provided, single submitter. Criteria: Invitae Variant Classification Sherloc (09022015). Collection method: clinical testing. Allele origin: germline.
Comment: This sequence change replaces phenylalanine, which is neutral and non-polar, with valine, which is neutral and non-polar, at codon 179 of the SH3TC2 protein (p.Phe179Val). This variant is not present in population databases (gnomAD no frequency). This variant has not been reported in the literature in individuals affected with SH3TC2-related conditions. Advanced modeling of protein sequence and biophysical properties (such as structural, functional, and spatial information, amino acid conservation, physicochemical variation, residue mobility, and thermodynamic stability) performed at Invitae indicates that this missense variant is not expected to disrupt SH3TC2 protein function. Algorithms developed to predict the effect of sequence changes on RNA splicing suggest that this variant may disrupt the consensus splice site. In summary, the available evidence is currently insufficient to determine the role of this variant in disease. Therefore, it has been classified as a Variant of Uncertain Significance.